The following is an entry in ClinVar:

NM_015693.4(INTU):c.2708_2714dup (p.Arg907fs)

Gene: INTU (inturned planar cell polarity protein; plus strand). Cytogenetic location: 4q28.1.
Variant type: Duplication.
Coding change: c.2708_2714dup on transcript NM_015693.4 (MANE Select); coding-DNA positions 2708 to 2714, 7 bases duplicated (GGGTAGT; older notation c.2708_2714dupGGGTAGT).
Protein change: p.Arg907fs; shifts the reading frame from arginine 907.
Molecular consequence: frameshift variant.
Genome position (GRCh38, 1-based): chr4:127,714,084-127,714,090, GGGTAGT duplicated; duplicating any 7 consecutive bases within chr4:127,714,083-127,714,090 gives the same sequence; the c. name uses the placement nearest the transcript's 3' end. VCF-style (leftmost placement, unchanged base first): chr4-127714082-C-CTGGGTAG. GRCh37 (hg19) VCF-style: chr4-128635237-C-CTGGGTAG.
Other names: short protein forms R907fs.
Identifiers: ClinVar variation 1488808 (VCV001488808.6), dbSNP rs1731181959, ClinGen allele CA1067828750.

ClinVar aggregate classification (germline): Uncertain significance (1 of 4 stars; one submission).

Submission:

Labcorp Genetics (formerly Invitae), Labcorp
Classification: Uncertain significance. Last evaluated: 2024-11-11. Review status: criteria provided, single submitter. Criteria: Invitae Variant Classification Sherloc (09022015). Collection method: clinical testing. Allele origin: germline.
Comment: This sequence change creates a premature translational stop signal (p.Arg907Serfs*19) in the INTU gene. While this is not anticipated to result in nonsense mediated decay, it is expected to disrupt the last 36 amino acid(s) of the INTU protein. This variant is not present in population databases (gnomAD no frequency). This variant has not been reported in the literature in individuals affected with INTU-related conditions. ClinVar contains an entry for this variant (Variation ID: 1488808). Algorithms developed to predict the effect of sequence changes on RNA splicing suggest that this variant may disrupt the consensus splice site. In summary, the available evidence is currently insufficient to determine the role of this variant in disease. Therefore, it has been classified as a Variant of Uncertain Significance.